The following is an entry in ClinVar:

NM_015910.7(WDPCP):c.852G>C (p.Trp284Cys)

Gene: WDPCP (WD repeat containing planar cell polarity effector; minus strand). Cytogenetic location: 2p15.
Variant type: single nucleotide variant.
Coding change: c.852G>C on transcript NM_015910.7 (MANE Select); coding-DNA position 852, G replaced by C.
Protein change: p.Trp284Cys; replaces tryptophan 284 with cysteine.
Molecular consequence: missense variant. On other transcripts: non-coding transcript variant (3).
Genome position (GRCh38, 1-based): chr2:63,404,631, C>G on the plus strand (G>C on the coding strand, the complement: WDPCP is on the minus strand). VCF-style: chr2-63404631-C-G. GRCh37 (hg19) VCF-style: chr2-63631766-C-G.
Other names: c.375G>C, p.Trp125Cys (NM_001042692.3); c.780G>C, p.Trp260Cys (NM_001354044.2); c.852G>C, p.Trp284Cys (NM_001354045.2); short protein forms W284C, W125C, W260C.
Identifiers: ClinVar variation 1525103 (VCV001525103.8), dbSNP rs2105194171, ClinGen allele CA347065679.

ClinVar aggregate classification (germline): Uncertain significance (1 of 4 stars; one submission).

Conditions:
Bardet-Biedl syndrome (BBS). Identifiers: Orphanet 110, MedGen C0752166, MONDO:0015229.

Submission:

Labcorp Genetics (formerly Invitae), Labcorp
Classification: Uncertain significance for Bardet-Biedl syndrome. Last evaluated: 2025-09-08. Review status: criteria provided, single submitter. Criteria: Invitae Variant Classification Sherloc (09022015). Collection method: clinical testing. Allele origin: germline.
Comment: This sequence change replaces tryptophan, which is neutral and slightly polar, with cysteine, which is neutral and slightly polar, at codon 284 of the WDPCP protein (p.Trp284Cys). This variant is not present in population databases (gnomAD no frequency). This variant has not been reported in the literature in individuals affected with WDPCP-related conditions. ClinVar contains an entry for this variant (Variation ID: 1525103). Invitae Evidence Modeling of protein sequence and biophysical properties (such as structural, functional, and spatial information, amino acid conservation, physicochemical variation, residue mobility, and thermodynamic stability) indicates that this missense variant is not expected to disrupt WDPCP protein function with a negative predictive value of 80%. In summary, the available evidence is currently insufficient to determine the role of this variant in disease. Therefore, it has been classified as a Variant of Uncertain Significance.